The following is an entry in ClinVar:

ClinVar aggregate classification (germline): Uncertain significance (1 of 4 stars; one submission).

Submission:

Labcorp Genetics (formerly Invitae), Labcorp
Classification: Uncertain significance. Last evaluated: 2022-04-01. Review status: criteria provided, single submitter. Criteria: Invitae Variant Classification Sherloc (09022015). Collection method: clinical testing. Allele origin: germline.
Comment: In summary, the available evidence is currently insufficient to determine the role of this variant in disease. Therefore, it has been classified as a Variant of Uncertain Significance. Algorithms developed to predict the effect of missense changes on protein structure and function (SIFT, PolyPhen-2, Align-GVGD) all suggest that this variant is likely to be disruptive. This sequence change replaces glycine, which is neutral and non-polar, with aspartic acid, which is acidic and polar, at codon 730 of the LAMC3 protein (p.Gly730Asp). This variant is not present in population databases (gnomAD no frequency). This variant has not been reported in the literature in individuals affected with LAMC3-related conditions.

NM_006059.4(LAMC3):c.2189G>A (p.Gly730Asp)

Gene: LAMC3 (laminin subunit gamma 3; plus strand). Cytogenetic location: 9q34.12.
Variant type: single nucleotide variant.
Coding change: c.2189G>A on transcript NM_006059.4 (MANE Select); coding-DNA position 2189, G replaced by A.
Protein change: p.Gly730Asp; replaces glycine 730 with aspartic acid.
Molecular consequence: missense variant.
Genome position (GRCh38, 1-based): chr9:131,061,065, G>A. VCF-style: chr9-131061065-G-A. GRCh37 (hg19) VCF-style: chr9-133936452-G-A.
Other names: short protein forms G730D.
Identifiers: ClinVar variation 1405440 (VCV001405440.6), dbSNP rs2133298563, ClinGen allele CA375266737.